The following is an entry in ClinVar:

NM_000103.4(CYP19A1):c.145+418G>T

Genes: CYP19A1 (cytochrome P450 family 19 subfamily A member 1; minus strand), MIR4713HG (MIR4713 host gene; plus strand), PIRC66 (piwi-interacting RNA cluster 66; plus strand). Cytogenetic location: 15q21.2.
Variant type: single nucleotide variant.
Coding change: c.145+418G>T on transcript NM_000103.4 (MANE Select); 418 bases into the intron after coding-DNA position 145, G replaced by T.
Molecular consequence: intron variant.
Genome position (GRCh38, 1-based): chr15:51,242,350, C>A on the plus strand (G>T on the coding strand, the complement: CYP19A1 is on the minus strand). VCF-style: chr15-51242350-C-A. GRCh37 (hg19) VCF-style: chr15-51534547-C-A.
Other names: c.145+418G>T (NM_031226.3, NM_001347248.1, NM_001347249.2 and 7 more transcripts).
Identifiers: ClinVar variation 2581079 (VCV002581079.2), dbSNP rs727479, ClinGen allele CA15858090.

ClinVar aggregate classification (germline): drug response (0 of 4 stars; one submission).

Conditions:
Letrozole response. Identifiers: MedGen CN298326.

Allele frequency attached by ClinVar (database versions not stated): TOPMed 0.68595; 1000 Genomes Project 0.71645; 1000 Genomes Project 30x 0.71783.
gnomAD v4.1: 183,949 of 270,982 alleles (68%); highest among the groups gnomAD compares: African/African-American, 78%; 62,811 homozygotes.

Submission:

Department of Medical Oncology, IRCCS Ospedale Policlinico San Martino
Classification: drug response for letrozole response. Last evaluated: 2023-05-01. Review status: no assertion criteria provided. Collection method: research. Allele origin: germline. Affected: yes. Observed: 753 variant alleles.
Comment: This variant has been evaluated in 886 european women with hormone receptor-positive, early-stage breast cancer treated with adjuvant hormone therapy with letrozole. The T allele was found to be associated with a dominant effect with 1) increased cumulative incidence of distant metastasis, 2) decreased overall survival,; and with a recessive effect with 3) descreased cumulative incidence of cardiovascular events (which is a letrozole-related adverse event)